The following is an entry in ClinVar:

NM_000059.4(BRCA2):c.6007A>G (p.Ile2003Val)

Gene: BRCA2 (BRCA2 DNA repair associated; plus strand). Cytogenetic location: 13q13.1.
Variant type: single nucleotide variant.
Coding change: c.6007A>G on transcript NM_000059.4 (MANE Select); coding-DNA position 6007, A replaced by G.
Protein change: p.Ile2003Val; replaces isoleucine 2003 with valine.
Molecular consequence: missense variant.
Genome position (GRCh38, 1-based): chr13:32,340,362, A>G. VCF-style: chr13-32340362-A-G. GRCh37 (hg19) VCF-style: chr13-32914499-A-G.
Other names: short protein forms I2003V.
Identifiers: ClinVar variation 826128 (VCV000826128.26), dbSNP rs1593907199, ClinGen allele CA387787691.
Genomic context (GRCh38, chr13:32,340,362, plus strand): 5'-GGAAAATCTGTCCAGGTATCAGATGCTTCATTACAAAACGCAAGACAAGTGTTTTCTGAA[A>G]TAGAAGATAGTACCAAGCAAGTCTTTTCCAAAGTATTGTTTAAAAGTAACGAACATTCAG-3'
Protein context (NP_000050.3, residues 1993-2013): LQNARQVFSE[Ile2003Val]EDSTKQVFSK

ClinVar aggregate classification (germline): Conflicting classifications of pathogenicity. Review status: criteria provided, conflicting classifications (1 of 4 stars). 5 submissions from 5 submitters: Uncertain significance (4); Likely benign (1). Last evaluated 2025-09-13.

Conditions:
Hereditary breast ovarian cancer syndrome. Also called: Hereditary breast and ovarian cancer syndrome; Hereditary breast and ovarian cancer; Hereditary breast and ovarian cancer syndrome (HBOC); Breast and ovarian cancer; Hereditary breast and/or ovarian cancer syndrome; BRCA1- and BRCA2-Associated Hereditary Breast and Ovarian Cancer. Identifiers: Orphanet 145, MedGen C0677776, MeSH D061325, MONDO:0003582. Disease mechanism: loss of function.
Hereditary cancer-predisposing syndrome. Also called: Neoplastic Syndromes, Hereditary; Tumor predisposition; Hereditary neoplastic syndrome; Hereditary Cancer Syndrome. Identifiers: Orphanet 140162, MedGen C0027672, MeSH D009386, MONDO:0015356.

Submissions (5):

Labcorp Genetics (formerly Invitae), Labcorp
Classification: Uncertain significance for Hereditary breast ovarian cancer syndrome. Last evaluated: 2025-09-13. Review status: criteria provided, single submitter. Criteria: Invitae Variant Classification Sherloc (09022015). Collection method: clinical testing. Allele origin: germline.
Comment: This sequence change replaces isoleucine, which is neutral and non-polar, with valine, which is neutral and non-polar, at codon 2003 of the BRCA2 protein (p.Ile2003Val). This variant is not present in population databases (gnomAD no frequency). This missense change has been observed in individual(s) with breast cancer (PMID: 35534704). ClinVar contains an entry for this variant (Variation ID: 826128). Invitae Evidence Modeling of protein sequence and biophysical properties (such as structural, functional, and spatial information, amino acid conservation, physicochemical variation, residue mobility, and thermodynamic stability) indicates that this missense variant is not expected to disrupt BRCA2 protein function with a negative predictive value of 95%. In summary, the available evidence is currently insufficient to determine the role of this variant in disease. Therefore, it has been classified as a Variant of Uncertain Significance.

Ambry Genetics
Classification: Uncertain significance for Hereditary cancer-predisposing syndrome. Last evaluated: 2025-06-14. Review status: criteria provided, single submitter. Criteria: Ambry Variant Classification Scheme 2023. Collection method: clinical testing. Allele origin: germline.
Comment: The p.I2003V variant (also known as c.6007A>G), located in coding exon 10 of the BRCA2 gene, results from an A to G substitution at nucleotide position 6007. The isoleucine at codon 2003 is replaced by valine, an amino acid with highly similar properties. This amino acid position is not well conserved in available vertebrate species. In addition, this alteration is predicted to be tolerated by in silico analysis. Since supporting evidence is limited at this time, the clinical significance of this alteration remains unclear.

Quest Diagnostics Nichols Institute San Juan Capistrano
Classification: Uncertain significance. Last evaluated: 2024-09-21. Review status: criteria provided, single submitter. Criteria: Quest Diagnostics criteria. Collection method: clinical testing. Allele origin: unknown.
Comment: The BRCA2 c.6007A>G (p.Ile2003Val) variant has been reported in the published literature in an individual with breast cancer (PMID: 35534704 (2022)), and described to be located in a region of the BRCA2 gene that is tolerant to missense sequence changes (PMID: 31911673 (2020)). This variant has not been reported in large, multi-ethnic general populations (Genome Aggregation Database). Analysis of this variant using bioinformatics tools for the prediction of the effect of amino acid changes on protein structure and function yielded predictions that this variant is benign. Based on the available information, we are unable to determine the clinical significance of this variant.

Color Diagnostics, LLC DBA Color Health
Classification: Uncertain significance for Hereditary cancer-predisposing syndrome. Last evaluated: 2024-03-06. Review status: criteria provided, single submitter. Criteria: ACMG Guidelines, 2015. Collection method: clinical testing. Allele origin: germline.
Comment: This missense variant replaces isoleucine with valine at codon 2003 of the BRCA2 protein. Computational prediction suggests that this variant may not impact protein structure and function (internally defined REVEL score threshold <= 0.5, PMID: 27666373). To our knowledge, functional studies have not been reported for this variant. This variant has not been reported in individuals affected with hereditary cancer in the literature. This variant has not been identified in the general population by the Genome Aggregation Database (gnomAD). The available evidence is insufficient to determine the role of this variant in disease conclusively. Therefore, this variant is classified as a Variant of Uncertain Significance.

University of Washington Department of Laboratory Medicine, University of Washington
Classification: Likely benign for Hereditary cancer-predisposing syndrome. Last evaluated: 2023-03-23. Review status: criteria provided, single submitter. Criteria: Dines et al. (Genet Med. 2020). Collection method: curation. Allele origin: germline.
Comment: Missense variant in a coldspot region where missense variants are very unlikely to be pathogenic (PMID:31911673).

BRCA2 exon 11 coldspot. Reclassification based on statistical prior probability.

Literature cited by the submitters: PubMed 35534704 (cited by Labcorp Genetics (formerly Invitae), Labcorp and Quest Diagnostics Nichols Institute San Juan Capistrano); PubMed 31911673 (cited by Quest Diagnostics Nichols Institute San Juan Capistrano).